The following is an entry in ClinVar:

NM_015168.2(ZC3H4):c.3293G>T (p.Gly1098Val)

Gene: ZC3H4 (zinc finger CCCH-type containing 4; minus strand). Cytogenetic location: 19q13.32.
Variant type: single nucleotide variant.
Coding change: c.3293G>T on transcript NM_015168.2 (MANE Select); coding-DNA position 3293, G replaced by T.
Protein change: p.Gly1098Val; replaces glycine 1098 with valine.
Molecular consequence: missense variant.
Genome position (GRCh38, 1-based): chr19:47,066,975, C>A on the plus strand (G>T on the coding strand, the complement: ZC3H4 is on the minus strand). VCF-style: chr19-47066975-C-A. GRCh37 (hg19) VCF-style: chr19-47570232-C-A.
Other names: short protein forms G1098V.
Identifiers: ClinVar variation 4994971 (VCV004994971.1).
Genomic context (GRCh38, chr19:47,066,975, plus strand): 5'-GTGGCTGGTGGGGAGGCATCCCCACTCGGGCTGGCGGTGGGAGAGGGCGCCTCAGCAGGG[C>A]CGGGCTTGGCAGCCCGGGAGGAGGCCGTAGAGTCTGTGGGTTTCTGCAGCCGAGGGTCGG-3'
Protein context (NP_055983.1, residues 1088-1108): STASSRAAKP[Gly1098Val]PAEAPSPTAS

ClinVar aggregate classification (germline): Uncertain significance (1 of 4 stars; one submission).

Conditions:
ZC3H4-related disorder. Also called: ZC3H4-related condition.

Submission:

PreventionGenetics, part of Exact Sciences
Classification: Uncertain significance for ZC3H4-related condition. Last evaluated: 2026-05-07. Review status: criteria provided, single submitter. Criteria: ACMG Guidelines, 2015. Collection method: clinical testing. Allele origin: germline.
Comment: The ZC3H4 c.3293G>T variant is predicted to result in the amino acid substitution p.Gly1098Val. To our knowledge, this variant has not been reported in the literature or in a large population database (gnomAD), indicating this variant is rare. At this time, the clinical significance of this variant is uncertain due to the absence of conclusive functional and genetic evidence.